The following is an entry in ClinVar:

ClinVar aggregate classification (germline): Uncertain significance (1 of 4 stars; one submission).

Submission:

Labcorp Genetics (formerly Invitae), Labcorp
Classification: Uncertain significance. Last evaluated: 2022-08-24. Review status: criteria provided, single submitter. Criteria: Invitae Variant Classification Sherloc (09022015). Collection method: clinical testing. Allele origin: germline.
Comment: This variant has not been reported in the literature in individuals affected with TET2-related conditions. This sequence change replaces leucine, which is neutral and non-polar, with phenylalanine, which is neutral and non-polar, at codon 112 of the TET2 protein (p.Leu112Phe). This variant is not present in population databases (gnomAD no frequency). Algorithms developed to predict the effect of missense changes on protein structure and function are either unavailable or do not agree on the potential impact of this missense change (SIFT: "Tolerated"; PolyPhen-2: "Possibly Damaging"; Align-GVGD: "Class C0"). In summary, the available evidence is currently insufficient to determine the role of this variant in disease. Therefore, it has been classified as a Variant of Uncertain Significance.

NM_001127208.3(TET2):c.336G>T (p.Leu112Phe)

Genes: TET2 (tet methylcytosine dioxygenase 2; plus strand), TET2-AS1 (TET2 antisense RNA 1; minus strand). Cytogenetic location: 4q24.
Variant type: single nucleotide variant.
Coding change: c.336G>T on transcript NM_001127208.3 (MANE Select); coding-DNA position 336, G replaced by T.
Protein change: p.Leu112Phe; replaces leucine 112 with phenylalanine.
Molecular consequence: missense variant.
Genome position (GRCh38, 1-based): chr4:105,234,278, G>T. VCF-style: chr4-105234278-G-T. GRCh37 (hg19) VCF-style: chr4-106155435-G-T.
Other names: c.336G>T, p.Leu112Phe (NM_017628.4); short protein forms L112F.
Identifiers: ClinVar variation 2026892 (VCV002026892.4), dbSNP rs2476479357, ClinGen allele CA357791231.